The following is an entry in ClinVar:

ClinVar aggregate classification (germline): Conflicting classifications of pathogenicity. Review status: criteria provided, conflicting classifications (1 of 4 stars). 2 submissions from 2 submitters: Likely pathogenic (1); Uncertain significance (1). Last evaluated 2025-07-01.

Conditions:
Congenital contractural arachnodactyly (CCA). Also called: Arthrogryposis, distal, type 9; BEALS SYNDROME; Beals-Hecht syndrome. Identifiers: Orphanet 115, MedGen C0220668, MONDO:0007363, OMIM 121050.

Submissions (2):

Molecular Diagnostics Laboratory, M Health Fairview: University of Minnesota
Classification: Likely pathogenic for Congenital contractural arachnodactyly. Last evaluated: 2025-07-01. Review status: criteria provided, single submitter. Criteria: ACMG Guidelines, 2015. Collection method: clinical testing. Allele origin: de novo. Affected: yes.

3billion
Classification: Uncertain significance for Congenital contractural arachnodactyly. Last evaluated: 2025-01-13. Review status: criteria provided, single submitter. Criteria: ACMG Guidelines, 2015. Collection method: clinical testing. Allele origin: germline. Affected: yes.
Comment: The variant is not observed in the gnomAD v4.1.0 dataset. Predicted Consequence/Location: Intron variant In silico tools predict the variant to alter splicing and produce an abnormal transcript [SpliceAI: 0.90 (>=0.2, moderate evidence for spliceogenicity)]. Therefore, this variant is classified as VUS according to the recommendation of ACMG/AMP guideline.

NM_001999.4(FBN2):c.3973+5G>A

Gene: FBN2 (fibrillin 2; minus strand). Cytogenetic location: 5q23.3.
Variant type: single nucleotide variant.
Coding change: c.3973+5G>A on transcript NM_001999.4 (MANE Select); 5 bases into the intron after coding-DNA position 3973, G replaced by A.
Molecular consequence: intron variant.
Genome position (GRCh38, 1-based): chr5:128,335,165, C>T on the plus strand (G>A on the coding strand, the complement: FBN2 is on the minus strand). VCF-style: chr5-128335165-C-T. GRCh37 (hg19) VCF-style: chr5-127670857-C-T.
Identifiers: ClinVar variation 4076990 (VCV004076990.2).